The following is an entry in ClinVar:

NM_001110556.2(FLNA):c.6817A>G (p.Ile2273Val)

Gene: FLNA (filamin A; minus strand). Cytogenetic location: Xq28.
Variant type: single nucleotide variant.
Coding change: c.6817A>G on transcript NM_001110556.2 (MANE Select); coding-DNA position 6817, A replaced by G.
Protein change: p.Ile2273Val; replaces isoleucine 2273 with valine.
Molecular consequence: missense variant.
Genome position (GRCh38, 1-based): chrX:154,351,974, T>C on the plus strand (A>G on the coding strand, the complement: FLNA is on the minus strand). VCF-style: chrX-154351974-T-C. GRCh37 (hg19) VCF-style: chrX-153580342-T-C.
Other names: c.6793A>G, p.Ile2265Val (NM_001456.4); short protein forms I2265V, I2273V.
Identifiers: ClinVar variation 421849 (VCV000421849.5), dbSNP rs1004772663, ClinGen allele CA16621252.
Genomic context (GRCh38, chrX:154,351,974, plus strand): 5'-AGGAGCCGTCCTTGCGGTCCTCAAAAGAGATCTCAGCCTTGCTGGGGCCCTCGACAGCAA[T>C]GGCCAGGCCTCCAGCACCAGCTTCCCGGGTCCAGATACTGAATTCGGCTGTGGGAGAACA-3'
Protein context (NP_001104026.1, residues 2263-2283): TREAGAGGLA[Ile2273Val]AVEGPSKAEI

ClinVar aggregate classification (germline): Conflicting classifications of pathogenicity. Review status: criteria provided, conflicting classifications (1 of 4 stars). 2 submissions from 2 submitters: Uncertain significance (1); Benign (1). Last evaluated 2025-09-08.

Conditions:
Heterotopia, periventricular, X-linked dominant (PVNH1). Also called: PERIVENTRICULAR NODULAR HETEROTOPIA 4; HETEROTOPIA, PERIVENTRICULAR, 1; PERIVENTRICULAR NODULAR HETEROTOPIA 1; X-linked periventricular heterotopia. Identifiers: Orphanet 2149, Orphanet 82004, MedGen C1848213, MONDO:0010233, OMIM 300049.
Oto-palato-digital syndrome, type II (OPD2). Also called: Otopalatodigital Syndrome, Type II; Otopalatodigital Syndrome Type 2 (FLNA-OPD2); FACIOPALATOOSSEOUS SYNDROME; OPD II SYNDROME. Identifiers: Orphanet 669, Orphanet 90652, MedGen C1844696, MONDO:0010571, OMIM 304120.
Frontometaphyseal dysplasia (FMD1). Identifiers: Orphanet 1826, MedGen C0265293, MONDO:0015942.
Melnick-Needles syndrome (MNS). Also called: Melnick-Needles Syndrome (FLNA-MNS); MELNICK-NEEDLES OSTEODYSPLASTY; OSTEODYSPLASTY OF MELNICK AND NEEDLES. Identifiers: Orphanet 2484, MedGen C0025237, MONDO:0010650, OMIM 309350.

Allele frequency attached by ClinVar (database versions not stated): gnomAD exomes below 0.00001 and 0.00001.
gnomAD v4.1: 2 of 1,211,151 alleles (0.00017%); highest among the groups gnomAD compares: South Asian, 0.0018%; no homozygotes.

Submissions (2):

Labcorp Genetics (formerly Invitae), Labcorp
Classification: Benign for Oto-palato-digital syndrome, type II; Heterotopia, periventricular, X-linked dominant; Frontometaphyseal dysplasia; Melnick-Needles syndrome. Last evaluated: 2025-09-08. Review status: criteria provided, single submitter. Criteria: Invitae Variant Classification Sherloc (09022015). Collection method: clinical testing. Allele origin: germline.

GeneDx
Classification: Uncertain significance. Last evaluated: 2017-03-10. Review status: criteria provided, single submitter. Criteria: GeneDx Variant Classification (06012015). Collection method: clinical testing. Allele origin: germline. Affected: yes.
Comment: The I2265V variant in the FLNA gene has not been reported previously as a pathogenic variant, nor as a benign variant, to our knowledge. The I2265V variant is not observed in large population cohorts (Lek et al., 2016; 1000 Genomes Consortium et al., 2015; Exome Variant Server). The I2265V variant is a conservative amino acid substitution, which is not likely to impact secondary protein structure as these residues share similar properties. This substitution occurs at a position that is conserved across species. In silico analysis predicts this variant is probably damaging to the protein structure/function. We interpret I2265V as a variant of uncertain significance,